The following is an entry in ClinVar:

ClinVar aggregate classification (germline): Pathogenic (1 of 4 stars; one submission).

Conditions:
Autosomal dominant Alport syndrome (ATS3A). Also called: ALPORT SYNDROME 3A, AUTOSOMAL DOMINANT; Alport syndrome dominant type; Renal failure and sensorineural hearing loss. Identifiers: Orphanet 63, Orphanet 88918, MedGen C5882663, MONDO:0007086, OMIM 104200.

Submission:

Centre de Génétique Humaine, Institut de Pathologie Et de Génétique
Classification: Pathogenic for Autosomal dominant Alport syndrome. Last evaluated: 2026-03-26. Review status: criteria provided, single submitter. Criteria: ACMG Guidelines, 2015. Collection method: clinical testing. Allele origin: germline. Inheritance: Autosomal dominant inheritance. Affected: yes. Observed: 1 variant allele, 1 heterozygote. Segregation with disease not observed.
Comment: This variant deletes 107bp of exon 31, the intron 31 (1358bp) and 15bp of exon 32; frameshift variant predicted to result in protein truncation or nonsense mediated decay in a gene for which loss-of-function is a known mechanism of disease (PVS1). This variant is rare absent from gnomAD SVs v4.1.0 database (PM2)

NM_000091.5:c.2382_2503del

Gene: COL4A3 (collagen type IV alpha 3 chain; plus strand).
Variant type: Deletion.
Other names: p.(Gln796Alafs*12); c.2382_2503del (NM_000091.5).
Identifiers: ClinVar variation 4853844 (VCV004853844.1).